The following is an entry in ClinVar:

NM_000246.4(CIITA):c.3329C>A (p.Pro1110His)

Gene: CIITA (class II major histocompatibility complex transactivator; plus strand). Cytogenetic location: 16p13.13.
Variant type: single nucleotide variant.
Coding change: c.3329C>A on transcript NM_000246.4 (MANE Select); coding-DNA position 3329, C replaced by A.
Protein change: p.Pro1110His; replaces proline 1110 with histidine.
Molecular consequence: missense variant. On other transcripts: non-coding transcript variant (1).
Genome position (GRCh38, 1-based): chr16:10,923,239, C>A. VCF-style: chr16-10923239-C-A. GRCh37 (hg19) VCF-style: chr16-11017096-C-A.
Other names: c.3332C>A, p.Pro1111His (NM_001286402.1, NM_001379332.1); c.1577C>A, p.Pro526His (NM_001286403.2); c.3185C>A, p.Pro1062His (NM_001379330.1); c.3182C>A, p.Pro1061His (NM_001379331.1); c.3329C>A, p.Pro1110His (NM_001379333.1); c.3260C>A, p.Pro1087His (NM_001379334.1); short protein forms P1062H, P1111H, P526H, P1061H, P1110H, P1087H.
Identifiers: ClinVar variation 2139859 (VCV002139859.1), dbSNP rs1312726190, ClinGen allele CA394724587.
Genomic context (GRCh38, chr16:10,923,239, plus strand): 5'-GCCGCCCTCTCTCCTCTAACCTGGCTCTGAGTCCCATCCCCCCTTGCAGGATGTGGACGC[C>A]CACCATCCCATTCAGTGTCCAGGAACACCTGCAACAACAGGATTCACGGATCAGCCTGAG-3'
Protein context (NP_000237.2, residues 1100-1120): PHVETLAMWT[Pro1110His]TIPFSVQEHL

ClinVar aggregate classification (germline): Uncertain significance (1 of 4 stars; one submission).

Conditions:
MHC class II deficiency. Also called: Bare lymphocyte syndrome 2; BLS, TYPE II. Identifiers: Orphanet 572, MedGen C5447452, MONDO:0008855.

Allele frequency attached by ClinVar (database versions not stated): gnomAD 0.00001; TOPMed 0.00001.
gnomAD v4.1: 8 of 1,613,284 alleles (0.0005%); highest among the groups gnomAD compares: Non-Finnish European, 0.00068%; no homozygotes.

Submission:

Labcorp Genetics (formerly Invitae), Labcorp
Classification: Uncertain significance for MHC class II deficiency. Last evaluated: 2022-03-04. Review status: criteria provided, single submitter. Criteria: Invitae Variant Classification Sherloc (09022015). Collection method: clinical testing. Allele origin: germline.
Comment: This sequence change replaces proline, which is neutral and non-polar, with histidine, which is basic and polar, at codon 1110 of the CIITA protein (p.Pro1110His). The frequency data for this variant in the population databases is considered unreliable, as metrics indicate poor data quality at this position in the gnomAD database. This variant has not been reported in the literature in individuals affected with CIITA-related conditions. Algorithms developed to predict the effect of missense changes on protein structure and function are either unavailable or do not agree on the potential impact of this missense change (SIFT: "Tolerated"; PolyPhen-2: "Probably Damaging"; Align-GVGD: "Class C0"). In summary, the available evidence is currently insufficient to determine the role of this variant in disease. Therefore, it has been classified as a Variant of Uncertain Significance.